The following is an entry in ClinVar:

NM_000161.3(GCH1):c.28G>A (p.Ala10Thr)

Genes: GCH1 (GTP cyclohydrolase 1; minus strand), LOC130055692 (ATAC-STARR-seq lymphoblastoid silent region 5776; plus strand). Cytogenetic location: 14q22.2.
Variant type: single nucleotide variant.
Coding change: c.28G>A on transcript NM_000161.3 (MANE Select); coding-DNA position 28, G replaced by A.
Protein change: p.Ala10Thr; replaces alanine 10 with threonine.
Molecular consequence: missense variant.
Genome position (GRCh38, 1-based): chr14:54,902,636, C>T on the plus strand (G>A on the coding strand, the complement: GCH1 is on the minus strand). VCF-style: chr14-54902636-C-T. GRCh37 (hg19) VCF-style: chr14-55369354-C-T.
Other names: c.28G>A, p.Ala10Thr (NM_001024024.2, NM_001024070.2, NM_001024071.2 and 1 more transcripts); short protein forms A10T.
Identifiers: ClinVar variation 3763313 (VCV003763313.2).

ClinVar aggregate classification (germline): Uncertain significance (1 of 4 stars; one submission).

Conditions:
GTP cyclohydrolase I deficiency. Identifiers: MedGen C0268467, MONDO:0100184.
Dystonia 5 (DRD). Also called: DYSTONIA, PROGRESSIVE, WITH DIURNAL VARIATION; DYSTONIA-PARKINSONISM WITH DIURNAL FLUCTUATION; Dystonia, DOPA-responsive, with or without hyperphenylalaninemia; GTP Cyclohydrolase 1-Deficient Dopa-Responsive Dystonia; DYT-GCH1. Identifiers: Orphanet 98808, MedGen C1851920, MONDO:0007495, OMIM 128230.

Submission:

Labcorp Genetics (formerly Invitae), Labcorp
Classification: Uncertain significance for GTP cyclohydrolase I deficiency; Dystonia 5. Last evaluated: 2024-02-21. Review status: criteria provided, single submitter. Criteria: Invitae Variant Classification Sherloc (09022015). Collection method: clinical testing. Allele origin: germline.
Comment: This sequence change replaces alanine, which is neutral and non-polar, with threonine, which is neutral and polar, at codon 10 of the GCH1 protein (p.Ala10Thr). This variant is not present in population databases (gnomAD no frequency). This variant has not been reported in the literature in individuals affected with GCH1-related conditions. Advanced modeling of protein sequence and biophysical properties (such as structural, functional, and spatial information, amino acid conservation, physicochemical variation, residue mobility, and thermodynamic stability) performed at Invitae indicates that this missense variant is not expected to disrupt GCH1 protein function with a negative predictive value of 95%. In summary, the available evidence is currently insufficient to determine the role of this variant in disease. Therefore, it has been classified as a Variant of Uncertain Significance.